The following is an entry in ClinVar:

NM_014956.5(CEP164):c.376C>A (p.Pro126Thr)

Gene: CEP164 (centrosomal protein 164; plus strand). Cytogenetic location: 11q23.3.
Variant type: single nucleotide variant.
Coding change: c.376C>A on transcript NM_014956.5 (MANE Select); coding-DNA position 376, C replaced by A.
Protein change: p.Pro126Thr; replaces proline 126 with threonine.
Molecular consequence: missense variant.
Genome position (GRCh38, 1-based): chr11:117,351,971, C>A. VCF-style: chr11-117351971-C-A. GRCh37 (hg19) VCF-style: chr11-117222687-C-A.
Other names: c.376C>A, p.Pro126Thr (NM_001271933.2, NM_001440949.1, NM_001440950.1 and 36 more transcripts); c.238C>A, p.Pro80Thr (NM_001440960.1); short protein forms P126T, P80T.
Identifiers: ClinVar variation 4979920 (VCV004979920.1).
Genomic context (GRCh38, chr11:117,351,971, plus strand): 5'-TCTGGGGCCATTAAGAAGAAGAAAAAAAAAAAGGAAAAGAAAGACAAGAAGGACAGAGAC[C>A]CCCCCAAAAGTTCGCTGGTGAGTCAGTGGATGCCTCCTCCCAGAGAGGCCAGGGCTGAAA-3'
Protein context (NP_055771.4, residues 116-136): KEKKDKKDRD[Pro126Thr]PKSSLALGSS

ClinVar aggregate classification (germline): Uncertain significance (1 of 4 stars; one submission).

Conditions:
CEP164-related disorder. Also called: CEP164-related condition.

gnomAD v4.1: 73 of 1,587,878 alleles (0.0046%); highest among the groups gnomAD compares: Non-Finnish European, 0.0062%; no homozygotes.

Submission:

PreventionGenetics, part of Exact Sciences
Classification: Uncertain significance for CEP164-related condition. Last evaluated: 2026-01-30. Review status: criteria provided, single submitter. Criteria: ACMG Guidelines, 2015. Collection method: clinical testing. Allele origin: germline.
Comment: The CEP164 c.376C>A variant is predicted to result in the amino acid substitution p.Pro126Thr. To our knowledge, this variant has not been reported in the literature. This variant is reported in 0.0023% of alleles in individuals of European (Non-Finnish) descent in gnomAD. At this time, the clinical significance of this variant is uncertain due to the absence of conclusive functional and genetic evidence.